The following is an entry in ClinVar:

NM_000073.3(CD3G):c.101A>G (p.Tyr34Cys)

Genes: CD3G (CD3 gamma subunit of T-cell receptor complex; plus strand), LOC126861358 (BRD4-independent group 4 enhancer GRCh37_chr11:118220212-118221411; plus strand). Cytogenetic location: 11q23.3.
Variant type: single nucleotide variant.
Coding change: c.101A>G on transcript NM_000073.3 (MANE Select); coding-DNA position 101, A replaced by G.
Protein change: p.Tyr34Cys; replaces tyrosine 34 with cysteine.
Molecular consequence: missense variant.
Genome position (GRCh38, 1-based): chr11:118,349,764, A>G. VCF-style: chr11-118349764-A-G. GRCh37 (hg19) VCF-style: chr11-118220479-A-G.
Other names: short protein forms Y34C.
Identifiers: ClinVar variation 1485385 (VCV001485385.6), dbSNP rs765027477, ClinGen allele CA6302105.
Genomic context (GRCh38, chr11:118,349,764, plus strand): 5'-GCAAGATCCTTAATAGAACCACGGCTTTTCTCATTTCAGGAAACCACTTGGTTAAGGTGT[A>G]TGACTATCAAGAAGATGGTTCGGTACTTCTGACTTGTGATGCAGAAGCCAAAAATATCAC-3'
Protein context (NP_000064.1, residues 24-44): SIKGNHLVKV[Tyr34Cys]DYQEDGSVLL

ClinVar aggregate classification (germline): Uncertain significance (1 of 4 stars; one submission).

Conditions:
Combined immunodeficiency due to CD3gamma deficiency. Also called: Immunodeficiency 17, CD3 gamma deficient; SCID-LIKE IMMUNODEFICIENCY, T CELL-PARTIAL, B CELL-POSITIVE, NK CELL-POSITIVE; Immunodeficiency 17; CD3-GAMMA DEFICIENCY. Identifiers: Orphanet 169082, MedGen C3810107, MONDO:0014276, OMIM 615607.

Allele frequency attached by ClinVar (database versions not stated): gnomAD exomes below 0.00001; ExAC 0.00001.
gnomAD v4.1: 5 of 1,613,992 alleles (0.00031%); highest among the groups gnomAD compares: Non-Finnish European, 0.00042%; no homozygotes.

Submission:

Labcorp Genetics (formerly Invitae), Labcorp
Classification: Uncertain significance for Combined immunodeficiency due to CD3gamma deficiency. Last evaluated: 2025-09-02. Review status: criteria provided, single submitter. Criteria: Invitae Variant Classification Sherloc (09022015). Collection method: clinical testing. Allele origin: germline.
Comment: This sequence change replaces tyrosine, which is neutral and polar, with cysteine, which is neutral and slightly polar, at codon 34 of the CD3G protein (p.Tyr34Cys). This variant is present in population databases (rs765027477, gnomAD 0.0009%). This variant has not been reported in the literature in individuals affected with CD3G-related conditions. ClinVar contains an entry for this variant (Variation ID: 1485385). An algorithm developed to predict the effect of missense changes on protein structure and function (PolyPhen-2) suggests that this variant is likely to be disruptive. In summary, the available evidence is currently insufficient to determine the role of this variant in disease. Therefore, it has been classified as a Variant of Uncertain Significance.